The following is an entry in ClinVar:

NM_001099922.3(ALG13):c.2611A>G (p.Asn871Asp)

Gene: ALG13 (ALG13 UDP-N-acetylglucosaminyltransferase subunit; plus strand). Cytogenetic location: Xq23.
Variant type: single nucleotide variant.
Coding change: c.2611A>G on transcript NM_001099922.3 (MANE Select); coding-DNA position 2611, A replaced by G.
Protein change: p.Asn871Asp; replaces asparagine 871 with aspartic acid.
Molecular consequence: missense variant. On other transcripts: non-coding transcript variant (1).
Genome position (GRCh38, 1-based): chrX:111,736,795, A>G. VCF-style: chrX-111736795-A-G. GRCh37 (hg19) VCF-style: chrX-110980023-A-G.
Other names: c.2299A>G, p.Asn767Asp (NM_001257230.2, NM_001257234.2, NM_001257237.2); c.2377A>G, p.Asn793Asp (NM_001257231.2); c.2611A>G, p.Asn871Asp (NM_001324292.2); c.2125A>G, p.Asn709Asp (NM_001324293.1); short protein forms N709D, N767D, N793D, N871D.
Identifiers: ClinVar variation 3627830 (VCV003627830.2).

ClinVar aggregate classification (germline): Uncertain significance (1 of 4 stars; one submission).

Conditions:
Developmental and epileptic encephalopathy, 36 (DEE36). Also called: Congenital disorder of glycosylation, type Is; ALG13-CDG; Epileptic encephalopathy, early infantile, 36. Identifiers: Orphanet 324422, MedGen C4317295, MONDO:0010472, OMIM 300884.

Submission:

Labcorp Genetics (formerly Invitae), Labcorp
Classification: Uncertain significance for Developmental and epileptic encephalopathy, 36. Last evaluated: 2024-12-07. Review status: criteria provided, single submitter. Criteria: Invitae Variant Classification Sherloc (09022015). Collection method: clinical testing. Allele origin: germline.
Comment: This sequence change replaces asparagine, which is neutral and polar, with aspartic acid, which is acidic and polar, at codon 871 of the ALG13 protein (p.Asn871Asp). This variant is present in population databases (rs770829304, gnomAD 0.02%). This variant has not been reported in the literature in individuals affected with ALG13-related conditions. Invitae Evidence Modeling of protein sequence and biophysical properties (such as structural, functional, and spatial information, amino acid conservation, physicochemical variation, residue mobility, and thermodynamic stability) indicates that this missense variant is not expected to disrupt ALG13 protein function with a negative predictive value of 95%. In summary, the available evidence is currently insufficient to determine the role of this variant in disease. Therefore, it has been classified as a Variant of Uncertain Significance.